The following is an entry in ClinVar:

ClinVar aggregate classification (germline): Benign/Likely benign. Review status: criteria provided, multiple submitters, no conflicts (2 of 4 stars). 5 submissions from 5 submitters: Benign (1); Likely benign (4). Last evaluated 2026-02-16.

Conditions:
Ataxia-telangiectasia syndrome (AT). Also called: Ataxia-telangiectasia, complementation group E; Cerebello-oculocutaneous telangiectasia; Immunodeficiency with ataxia telangiectasia; Ataxia-telangiectasia, complementation group D; AT, COMPLEMENTATION GROUP C; ATAXIA-TELANGIECTASIA, COMPLEMENTATION GROUP A. Identifiers: Orphanet 100, MedGen C0004135, MONDO:0008840, OMIM 208900.
Hereditary cancer-predisposing syndrome. Also called: Hereditary Cancer Syndrome; Tumor predisposition; Neoplastic Syndromes, Hereditary; Hereditary neoplastic syndrome. Identifiers: Orphanet 140162, MedGen C0027672, MeSH D009386, MONDO:0015356.
Familial cancer of breast. Also called: hereditary breast carcinoma; BREAST CANCER, FAMILIAL; Hereditary breast cancer. Identifiers: Orphanet 227535, MedGen C0346153, MONDO:0016419, OMIM 114480. Disease mechanism: loss of function.
ATM-related cancer predisposition. Also called: ATM-related cancer susceptibility. Identifiers: MedGen CN377759, MONDO:0700270.

gnomAD v4.1: 2 of 1,613,892 alleles (0.00012%); highest among the groups gnomAD compares: Non-Finnish European, 0.00017%; no homozygotes.

Submissions (5):

Ambry Genetics
Classification: Likely benign for Hereditary cancer-predisposing syndrome. Last evaluated: 2026-02-16. Review status: criteria provided, single submitter. Criteria: Ambry Variant Classification Scheme 2023. Collection method: clinical testing. Allele origin: germline.

Myriad Genetics, Inc.
Classification: Benign for Familial cancer of breast. Last evaluated: 2024-05-20. Review status: criteria provided, single submitter. Criteria: Myriad Autosomal Dominant, Autosomal Recessive and X-Linked Classification Criteria (2023). Collection method: clinical testing. Allele origin: unknown.
Comment: This variant is considered benign. This variant is a silent/synonymous amino acid change and it is not expected to impact splicing.

Labcorp Genetics (formerly Invitae), Labcorp
Classification: Likely benign for Ataxia-telangiectasia syndrome. Last evaluated: 2023-08-16. Review status: criteria provided, single submitter. Criteria: Invitae Variant Classification Sherloc (09022015). Collection method: clinical testing. Allele origin: germline.

Department of Pathology and Laboratory Medicine, Sinai Health System
Classification: Likely benign for ATM-related cancer predisposition. Last evaluated: 2020-10-02. Review status: criteria provided, single submitter. Criteria: ACMG Guidelines, 2015. Collection method: clinical testing. Allele origin: germline. Affected: no.

Color Diagnostics, LLC DBA Color Health
Classification: Likely benign for Hereditary cancer-predisposing syndrome. Last evaluated: 2019-07-08. Review status: criteria provided, single submitter. Criteria: ACMG Guidelines, 2015. Collection method: clinical testing. Allele origin: germline.

NM_000051.4(ATM):c.4537C>T (p.Leu1513=)

Gene: ATM (ATM serine/threonine kinase; plus strand). Cytogenetic location: 11q22.3.
Variant type: single nucleotide variant.
Coding change: c.4537C>T on transcript NM_000051.4 (MANE Select); coding-DNA position 4537, C replaced by T.
Protein change: p.Leu1513=; no amino-acid change (leucine 1513 retained).
Molecular consequence: synonymous variant.
Genome position (GRCh38, 1-based): chr11:108,292,719, C>T. VCF-style: chr11-108292719-C-T. GRCh37 (hg19) VCF-style: chr11-108163446-C-T.
Other names: c.4537C>T, p.Leu1513= (NM_001351834.2).
Identifiers: ClinVar variation 922229 (VCV000922229.10), dbSNP rs2082867393, ClinGen allele CA476674196.
Genomic context (GRCh38, chr11:108,292,719, plus strand): 5'-CTTTGTTGTGACTTATTAAGTCAGGTTTGCCAGACAGCCGTGACTTACTGTAAGGATGCT[C>T]TAGAAAACCATCTTCATGTTATTGTTGGTACACTTATACCCCTTGTGTATGAGCAGGTGG-3'
Protein context (NP_000042.3, residues 1503-1523): QTAVTYCKDA[Leu1513=]ENHLHVIVGT